The following is an entry in ClinVar:

ClinVar aggregate classification (germline): Uncertain significance. Review status: criteria provided, multiple submitters, no conflicts (2 of 4 stars). 3 submissions from 3 submitters: Uncertain significance (3). Last evaluated 2026-03-19.

Conditions:
Inborn genetic diseases. Identifiers: MedGen C0950123, MeSH D030342.
Pitt-Hopkins-like syndrome 2 (PTHSL2). Identifiers: Orphanet 221150, Orphanet 600663, MedGen C3280479, MONDO:0013690, OMIM 614325.

Allele frequency attached by ClinVar (database versions not stated): gnomAD 0.00003; TOPMed 0.00003; gnomAD exomes 0.00003 and 0.00008; ExAC 0.00003.
gnomAD v4.1: 121 of 1,608,512 alleles (0.0075%); highest among the groups gnomAD compares: Non-Finnish European, 0.0095%; no homozygotes.

Submissions (3):

Ambry Genetics
Classification: Uncertain significance for Inborn genetic diseases. Last evaluated: 2026-03-19. Review status: criteria provided, single submitter. Criteria: Ambry Variant Classification Scheme 2023. Collection method: clinical testing. Allele origin: germline.

Labcorp Genetics (formerly Invitae), Labcorp
Classification: Uncertain significance for Pitt-Hopkins-like syndrome 2. Last evaluated: 2025-02-17. Review status: criteria provided, single submitter. Criteria: Invitae Variant Classification Sherloc (09022015). Collection method: clinical testing. Allele origin: germline.
Comment: This sequence change replaces glutamic acid, which is acidic and polar, with glycine, which is neutral and non-polar, at codon 753 of the NRXN1 protein (p.Glu753Gly). This variant is present in population databases (rs765314273, gnomAD 0.006%). This variant has not been reported in the literature in individuals affected with NRXN1-related conditions. ClinVar contains an entry for this variant (Variation ID: 970263). An algorithm developed to predict the effect of missense changes on protein structure and function (PolyPhen-2) suggests that this variant is likely to be tolerated. In summary, the available evidence is currently insufficient to determine the role of this variant in disease. Therefore, it has been classified as a Variant of Uncertain Significance.

GeneDx
Classification: Uncertain significance. Last evaluated: 2020-04-03. Review status: criteria provided, single submitter. Criteria: GeneDx Variant Classification Process June 2021. Collection method: clinical testing. Allele origin: germline. Affected: yes.
Comment: In silico analysis supports that this missense variant has a deleterious effect on protein structure/function; Missense variant in a gene in which most reported pathogenic variants are truncating/loss-of-function; Has not been previously published as pathogenic or benign to our knowledge

NM_001330078.2(NRXN1):c.2138A>G (p.Glu713Gly)

Gene: NRXN1 (neurexin 1; minus strand). Cytogenetic location: 2p16.3.
Variant type: single nucleotide variant.
Coding change: c.2138A>G on transcript NM_001330078.2 (MANE Select); coding-DNA position 2138, A replaced by G.
Protein change: p.Glu713Gly; replaces glutamic acid 713 with glycine.
Molecular consequence: missense variant.
Genome position (GRCh38, 1-based): chr2:50,538,258, T>C on the plus strand (A>G on the coding strand, the complement: NRXN1 is on the minus strand). VCF-style: chr2-50538258-T-C. GRCh37 (hg19) VCF-style: chr2-50765396-T-C.
Other names: c.2258A>G, p.Glu753Gly (NM_001135659.3); c.2114A>G, p.Glu705Gly (NM_001330077.2, NM_001330082.2, NM_001330095.2); c.2099A>G, p.Glu700Gly (NM_001330083.2, NM_001330084.2); c.2138A>G, p.Glu713Gly (NM_001330085.2, NM_001330086.2, NM_004801.6); c.2054A>G, p.Glu685Gly (NM_001330087.2, NM_001330096.2); c.2084A>G, p.Glu695Gly (NM_001330088.2); c.2135A>G, p.Glu712Gly (NM_001330093.2); c.2126A>G, p.Glu709Gly (NM_001330094.2); short protein forms E705G, E709G, E712G, E713G, E700G, E685G, E753G, E695G.
Identifiers: ClinVar variation 970263 (VCV000970263.14), dbSNP rs765314273, ClinGen allele CA1654924.